The following is an entry in ClinVar:

ClinVar aggregate classification (germline): Pathogenic (1 of 4 stars; one submission).

Conditions:
Zimmermann-Laband syndrome 2 (ZLS2). Identifiers: Orphanet 3473, MedGen C4225321, MONDO:0014646, OMIM 616455.

Submission:

Victorian Clinical Genetics Services, Murdoch Childrens Research Institute
Classification: Pathogenic for Zimmermann-Laband syndrome 2. Last evaluated: 2024-10-09. Review status: criteria provided, single submitter. Criteria: ACMG Guidelines, 2015. Collection method: clinical testing. Allele origin: germline. Inheritance: Autosomal dominant inheritance. Affected: yes.
Comment: Based on the classification scheme VCGS_Germline_v1.3.4, this variant is classified as Pathogenic. Following criteria are met: 0105 - The mechanism of disease for this gene is not clearly established. (I) 0107 - This gene is associated with autosomal dominant disease. (I) 0205 - Variant is predicted to result in a truncated protein (premature termination codon is NOT located at least 54 nucleotides upstream of the final exon-exon junction) with less than 1/3 of the protein sequence affected. (SP) 0251 - This variant is heterozygous. (I) 0301 - Variant is absent from gnomAD (both v2 and v3). (SP) 0604 - Variant is not located in an established domain, motif, hotspot or informative constraint region. (I) 0703 - Other truncating variants comparable to the one identified in this case have moderate previous evidence for pathogenicity. Two downstream truncating variants have been previously reported as pathogenic including the well reported p.(Arg506*) pathogenic variant and p.(Lys489*). Both these variants have been reported as de novo in affected individuals. (ClinVar, PMID: 24913193). (SP) 0807 - This variant has no previous evidence of pathogenicity. (I) 0905 - No published segregation evidence has been identified for this variant. (I) 1007 - No published functional evidence has been identified for this variant. (I) 1208 - Inheritance information for this variant is not currently available in this individual. (I) Legend: (SP) - Supporting pathogenic, (I) - Information, (SB) - Supporting benign

Literature cited by the submitters: PubMed 24913193.

NM_001693.4(ATP6V1B2):c.1443G>A (p.Trp481Ter)

Gene: ATP6V1B2 (ATPase H+ transporting V1 subunit B2; plus strand). Cytogenetic location: 8p21.3.
Variant type: single nucleotide variant.
Coding change: c.1443G>A on transcript NM_001693.4 (MANE Select); coding-DNA position 1443, G replaced by A.
Protein change: p.Trp481Ter; replaces tryptophan 481 with a stop codon.
Molecular consequence: nonsense.
Genome position (GRCh38, 1-based): chr8:20,220,309, G>A. VCF-style: chr8-20220309-G-A. GRCh37 (hg19) VCF-style: chr8-20077820-G-A.
Other names: short protein forms W481*.
Identifiers: ClinVar variation 3377165 (VCV003377165.1).